The following is an entry in ClinVar:

ClinVar aggregate classification (germline): Uncertain significance (1 of 4 stars; one submission).

gnomAD v4.1: 1 of 1,543,472 alleles (0.000065%); highest among the groups gnomAD compares: East Asian, 0.0023%; no homozygotes.

Submission:

Labcorp Genetics (formerly Invitae), Labcorp
Classification: Uncertain significance. Last evaluated: 2022-05-06. Review status: criteria provided, single submitter. Criteria: Invitae Variant Classification Sherloc (09022015). Collection method: clinical testing. Allele origin: germline.
Comment: Algorithms developed to predict the effect of sequence changes on RNA splicing suggest that this variant may disrupt the consensus splice site. In summary, the available evidence is currently insufficient to determine the role of this variant in disease. Therefore, it has been classified as a Variant of Uncertain Significance. Algorithms developed to predict the effect of missense changes on protein structure and function (SIFT, PolyPhen-2, Align-GVGD) all suggest that this variant is likely to be tolerated. This variant has not been reported in the literature in individuals affected with WNT1-related conditions. This variant is not present in population databases (gnomAD no frequency). This sequence change replaces threonine, which is neutral and polar, with lysine, which is basic and polar, at codon 208 of the WNT1 protein (p.Thr208Lys).

NM_005430.4(WNT1):c.623C>A (p.Thr208Lys)

Gene: WNT1 (Wnt family member 1; plus strand). Cytogenetic location: 12q13.12.
Variant type: single nucleotide variant.
Coding change: c.623C>A on transcript NM_005430.4 (MANE Select); coding-DNA position 623, C replaced by A.
Protein change: p.Thr208Lys; replaces threonine 208 with lysine.
Molecular consequence: missense variant.
Genome position (GRCh38, 1-based): chr12:48,980,688, C>A. VCF-style: chr12-48980688-C-A. GRCh37 (hg19) VCF-style: chr12-49374471-C-A.
Other names: short protein forms T208K.
Identifiers: ClinVar variation 2134528 (VCV002134528.4), dbSNP rs144543456, ClinGen allele CA384632835.